The following is an entry in ClinVar:

NM_153002.3(GPR156):c.417G>A (p.Leu139=)

Gene: GPR156 (G protein-coupled receptor 156; minus strand). Cytogenetic location: 3q13.33.
Variant type: single nucleotide variant.
Coding change: c.417G>A on transcript NM_153002.3 (MANE Select); coding-DNA position 417, G replaced by A.
Protein change: p.Leu139=; no amino-acid change (leucine 139 retained).
Molecular consequence: synonymous variant.
Genome position (GRCh38, 1-based): chr3:120,192,996, C>T on the plus strand (G>A on the coding strand, the complement: GPR156 is on the minus strand). VCF-style: chr3-120192996-C-T. GRCh37 (hg19) VCF-style: chr3-119911843-C-T.
Other names: NC_000003.11:g.119911843C>T; c.417G>A, p.Leu139= (NM_001168271.2).
Identifiers: ClinVar variation 3356776 (VCV003356776.2).
Genomic context (GRCh38, chr3:120,192,996, plus strand): 5'-CACCACTCTCTTGTCCGGGACCCTTTGGGTAAACACCTTGTAGAGTCGCCAGCTCTTTCC[C>T]AGAATGGGGCCAAACACAAGGGAGGTCCCAATGCACAGCATGGACAGTCTTGTCTATGGG-3'
Protein context (NP_694547.2, residues 129-149): IGTSLVFGPI[Leu139=]GKSWRLYKVF

ClinVar aggregate classification (germline): Likely benign (0 of 4 stars; one submission).

Conditions:
GPR156-related disorder. Also called: GPR156-related condition.

Submissions (2):

PreventionGenetics, part of Exact Sciences
Classification: Likely benign for GPR156-related condition. Last evaluated: 2024-05-14. Review status: no assertion criteria provided. Collection method: clinical testing. Allele origin: germline.
Comment: This variant is classified as likely benign based on ACMG/AMP sequence variant interpretation guidelines (Richards et al. 2015 PMID: 25741868, with internal and published modifications).

Dr. Peter K. Rogan Lab, Western University
No classification provided (evidence only). Condition: Cervical cancer. Review status: no classification provided. Collection method: in vitro. Allele origin: not applicable. Functional consequence: skipped exon. Not counted in ClinVar's aggregate classification.